The following is an entry in ClinVar:

ClinVar aggregate classification (germline): Conflicting classifications of pathogenicity. Review status: criteria provided, conflicting classifications (1 of 4 stars). 2 submissions from 2 submitters: Uncertain significance (1); Likely benign (1). Last evaluated 2024-09-20.

Conditions:
Kostmann syndrome (SCN3). Also called: KOSTMANN DISEASE; Autosomal recessive severe congenital neutropenia type 3. Identifiers: Orphanet 99749, MedGen C5235141, MONDO:0012548, OMIM 610738.

Allele frequency attached by ClinVar (database versions not stated): gnomAD 0.00009; TOPMed 0.00012; gnomAD exomes 0.00013 and 0.00015; ExAC 0.00015; 1000 Genomes Project 30x 0.00016; 1000 Genomes Project 0.00020.

Submissions (2):

3billion
Classification: Likely benign for Kostmann syndrome. Last evaluated: 2024-09-20. Review status: criteria provided, single submitter. Criteria: ACMG Guidelines, 2015. Collection method: clinical testing. Allele origin: germline. Affected: no.
Comment: The homozygous variant was found in patients diagnosed with another variant in a different gene, with no symptoms related to the gene containing the homozygous variant.

Illumina Laboratory Services, Illumina
Classification: Uncertain significance for Kostmann syndrome. Last evaluated: 2018-01-12. Review status: criteria provided, single submitter. Criteria: ICSL Variant Classification Criteria 13 December 2019. Collection method: clinical testing. Allele origin: germline.

NM_006118.4(HAX1):c.*47A>G

Gene: HAX1 (HCLS1 associated protein X-1; plus strand). Cytogenetic location: 1q21.3.
Variant type: single nucleotide variant.
Coding change: c.*47A>G on transcript NM_006118.4 (MANE Select); 47 bases downstream of the stop codon, A replaced by G.
Molecular consequence: 3 prime UTR variant.
Genome position (GRCh38, 1-based): chr1:154,275,748, A>G. VCF-style: chr1-154275748-A-G. GRCh37 (hg19) VCF-style: chr1-154248224-A-G.
Other names: c.*47A>G (NM_001018837.2).
Identifiers: ClinVar variation 292709 (VCV000292709.6), dbSNP rs183456651, ClinGen allele CA1127499.